The following is an entry in ClinVar:

ClinVar aggregate classification (germline): Pathogenic. Review status: criteria provided, single submitter (1 of 4 stars). 2 submissions from 2 submitters: Pathogenic (1). 1 of the submissions does not count toward it. Last evaluated 2024-05-09.

Conditions:
Familial prostate cancer. Also called: Hereditary Prostate Cancer. Identifiers: MedGen C2931456, MONDO:0700275, OMIM 176807.
Gastric cancer. Also called: Malignant tumor of stomach; Stomach cancer. Identifiers: MedGen C0024623, MeSH D013274, MONDO:0001056, OMIM 613659, HP:0012126.

Submissions (2):

Women's Health and Genetics/Laboratory Corporation of America, LabCorp
Classification: Pathogenic for Familial prostate cancer. Last evaluated: 2024-05-09. Review status: criteria provided, single submitter. Criteria: LabCorp Variant Classification Summary - May 2015. Collection method: clinical testing. Allele origin: germline.
Comment: Variant summary: ATM c.6820dupG (p.Ala2274GlyfsX6) results in a premature termination codon, predicted to cause a truncation of the encoded protein or absence of the protein due to nonsense mediated decay, which are commonly known mechanisms for disease. The variant was absent in 251036 control chromosomes (gnomAD). c.6820dupG has been reported in the literature in at least an individual affected with Prostate Cancer (Momozawa_2020). The following publication has been ascertained in the context of this evaluation (PMID: 31214711).ClinVar contains an entry for this variant (Variation ID: 1801588). Based on the evidence outlined above, the variant was classified as pathogenic.

Laboratory for Genotyping Development, RIKEN
Classification: Pathogenic for Gastric cancer. Last evaluated: 2021-07-01. Review status: no assertion criteria provided. Collection method: research. Allele origin: germline. Not counted in ClinVar's aggregate classification.

Literature cited by the submitters: PubMed 31214711 (cited by Women's Health and Genetics/Laboratory Corporation of America, LabCorp); PubMed 36988593 (cited by Laboratory for Genotyping Development, RIKEN).

NM_000051.4(ATM):c.6820dup (p.Ala2274fs)

Genes: ATM (ATM serine/threonine kinase; plus strand), C11orf65 (chromosome 11 open reading frame 65; minus strand). Cytogenetic location: 11q22.3.
Variant type: Duplication.
Coding change: c.6820dup on transcript NM_000051.4 (MANE Select); coding-DNA position 6820, one base duplicated (G; older notation c.6820dupG).
Protein change: p.Ala2274fs; shifts the reading frame from alanine 2274.
Molecular consequence: frameshift variant. On other transcripts: intron variant (2).
Genome position (GRCh38, 1-based): chr11:108,326,070, G duplicated; the last of 3 consecutive G bases (chr11:108,326,068-108,326,070); duplicating any one gives the same sequence. VCF-style (leftmost placement, unchanged base first): chr11-108326067-A-AG. GRCh37 (hg19) VCF-style: chr11-108196794-A-AG.
Other names: c.6820dupG (NM_000051.4); c.6820dup, p.Ala2274fs (NM_001351834.2); c.641-16997dup (NM_001330368.2); c.*38+9152dup (NM_001351110.2); short protein forms A2274fs.
Identifiers: ClinVar variation 1801588 (VCV001801588.2), dbSNP rs2547215348, ClinGen allele CA2580083107.